The following is an entry in ClinVar:

NM_001127198.5(TMC6):c.1877A>G (p.Tyr626Cys)

Gene: TMC6 (transmembrane channel like 6; minus strand). Cytogenetic location: 17q25.3.
Variant type: single nucleotide variant.
Coding change: c.1877A>G on transcript NM_001127198.5 (MANE Select); coding-DNA position 1877, A replaced by G.
Protein change: p.Tyr626Cys; replaces tyrosine 626 with cysteine.
Molecular consequence: missense variant. On other transcripts: non-coding transcript variant (4).
Genome position (GRCh38, 1-based): chr17:78,118,981, T>C on the plus strand (A>G on the coding strand, the complement: TMC6 is on the minus strand). VCF-style: chr17-78118981-T-C. GRCh37 (hg19) VCF-style: chr17-76115062-T-C.
Other names: c.1877A>G, p.Tyr626Cys (NM_001321185.1, NM_001374596.1, NM_001375353.1 and 2 more transcripts); c.1697A>G, p.Tyr566Cys (NM_001374593.1, NM_001374594.1); short protein forms Y566C, Y626C.
Identifiers: ClinVar variation 1521409 (VCV001521409.5), dbSNP rs949679730, ClinGen allele CA294344624.

ClinVar aggregate classification (germline): Uncertain significance (1 of 4 stars; one submission).

Conditions:
Epidermodysplasia verruciformis. Identifiers: Orphanet 302, MedGen C0014522, MONDO:0009176.

Allele frequency attached by ClinVar (database versions not stated): gnomAD 0.00001; TOPMed 0.00001.
gnomAD v4.1: 9 of 1,603,424 alleles (0.00056%); highest among the groups gnomAD compares: Middle Eastern, 0.017%; no homozygotes.

Submission:

Labcorp Genetics (formerly Invitae), Labcorp
Classification: Uncertain significance for Epidermodysplasia verruciformis. Last evaluated: 2023-12-19. Review status: criteria provided, single submitter. Criteria: Invitae Variant Classification Sherloc (09022015). Collection method: clinical testing. Allele origin: germline.
Comment: This sequence change replaces tyrosine, which is neutral and polar, with cysteine, which is neutral and slightly polar, at codon 626 of the TMC6 protein (p.Tyr626Cys). This variant is present in population databases (no rsID available, gnomAD 0.005%). This variant has not been reported in the literature in individuals affected with TMC6-related conditions. ClinVar contains an entry for this variant (Variation ID: 1521409). An algorithm developed to predict the effect of missense changes on protein structure and function (PolyPhen-2) suggests that this variant¬†is likely to be tolerated. In summary, the available evidence is currently insufficient to determine the role of this variant in disease. Therefore, it has been classified as a Variant of Uncertain Significance.